The following is an entry in ClinVar:

ClinVar aggregate classification (germline): Likely benign (1 of 4 stars; one submission).

gnomAD v4.1: 127 of 152,168 alleles (0.083%); highest among the groups gnomAD compares: Non-Finnish European, 0.16%; no homozygotes.

Submission:

CeGaT Center for Human Genetics Tuebingen
Classification: Likely benign. Last evaluated: 2026-06-01. Review status: criteria provided, single submitter. Criteria: CeGaT Center For Human Genetics Tuebingen Variant Classification Criteria Version 2. Collection method: clinical testing. Allele origin: germline. Affected: yes. Observed: 3 variant alleles.
Comment: AC092291.2: BP4, BP7

NM_002582.4(PARN):c.1670+11639C>G

Gene: PARN (poly(A)-specific ribonuclease; minus strand). Cytogenetic location: 16p13.12.
Variant type: single nucleotide variant.
Coding change: c.1670+11639C>G on transcript NM_002582.4 (MANE Select); 11639 bases into the intron after coding-DNA position 1670, C replaced by G.
Molecular consequence: intron variant.
Genome position (GRCh38, 1-based): chr16:14,470,999, G>C on the plus strand (C>G on the coding strand, the complement: PARN is on the minus strand). VCF-style: chr16-14470999-G-C. GRCh37 (hg19) VCF-style: chr16-14564856-G-C.
Other names: c.1487+11639C>G (NM_001134477.3); c.1532+11639C>G (NM_001242992.2).
Identifiers: ClinVar variation 3770610 (VCV003770610.13).